The following is an entry in ClinVar:

NM_020975.6(RET):c.*1599G>A

Gene: RET (ret proto-oncogene; plus strand). Cytogenetic location: 10q11.21.
Variant type: single nucleotide variant.
Coding change: c.*1599G>A on transcript NM_020975.6 (MANE Select); 1599 bases downstream of the stop codon, G replaced by A.
Molecular consequence: 3 prime UTR variant.
Genome position (GRCh38, 1-based): chr10:43,129,868, G>A. VCF-style: chr10-43129868-G-A. GRCh37 (hg19) VCF-style: chr10-43625316-G-A.
Other names: c.*1599G>A (LRG_518t1).
Identifiers: ClinVar variation 299938 (VCV000299938.6), dbSNP rs145954635, ClinGen allele CA10635356.

ClinVar aggregate classification (germline): Benign/Likely benign. Review status: criteria provided, single submitter (1 of 4 stars). 4 submissions from 1 submitter: Benign (3); Likely benign (1). Last evaluated 2018-01-13.

Conditions:
Pheochromocytoma. Also called: MAX-Related Hereditary Paraganglioma-Pheochromocytoma Syndrome. Identifiers: Orphanet 29072, MedGen C0031511, MONDO:0008233, OMIM 171300, HP:0002666.
Multiple endocrine neoplasia. Identifiers: Orphanet 276161, MedGen C0027662, MONDO:0017169.
Renal hypodysplasia/aplasia 1 (RHDA1). Also called: RENAL APLASIA; HEREDITARY RENAL APLASIA. Identifiers: Orphanet 411709, MedGen C1619700, MONDO:0024519, OMIM 191830.
Hirschsprung disease, susceptibility to, 1 (HSCR1). Also called: RET-Related Hirschsprung Disease. Identifiers: Orphanet 388, MedGen C3888239, MONDO:0007723, OMIM 142623.

Allele frequency attached by ClinVar (database versions not stated): gnomAD exomes 0.00028; gnomAD 0.00245 and 0.00265; TOPMed 0.00271; 1000 Genomes Project 30x 0.00297; 1000 Genomes Project 0.00339.
gnomAD v4.1: 457 of 398,178 alleles (0.11%); highest among the groups gnomAD compares: African/African-American, 0.84%; 1 homozygote.

Submissions (4):

Illumina Laboratory Services, Illumina
Classification: Benign for Hirschsprung disease, susceptibility to, 1. Last evaluated: 2018-01-13. Review status: criteria provided, single submitter. Criteria: ICSL Variant Classification Criteria 13 December 2019. Collection method: clinical testing. Allele origin: germline.
Comment: This variant was observed in the ICSL laboratory as part of a predisposition screen in an ostensibly healthy population. It had not been previously curated by ICSL or reported in the Human Gene Mutation Database (HGMD: prior to June 1st, 2018), and was therefore a candidate for classification through an automated scoring system. Utilizing variant allele frequency, disease prevalence and penetrance estimates, and inheritance mode, an automated score was calculated to assess if this variant is too frequent to cause the disease. Based on the score and internal cut-off values, a variant classified as benign is not then subjected to further curation. The score for this variant resulted in a classification of benign for this disease.

Illumina Laboratory Services, Illumina
Classification: Benign for Pheochromocytoma. Last evaluated: 2018-01-13. Review status: criteria provided, single submitter. Criteria: ICSL Variant Classification Criteria 13 December 2019. Collection method: clinical testing. Allele origin: germline.
Comment: the same text as in the submission from Illumina Laboratory Services, Illumina above.

Illumina Laboratory Services, Illumina
Classification: Likely benign for Renal hypodysplasia/aplasia 1. Last evaluated: 2018-01-13. Review status: criteria provided, single submitter. Criteria: ICSL Variant Classification Criteria 13 December 2019. Collection method: clinical testing. Allele origin: germline.
Comment: This variant was observed in the ICSL laboratory as part of a predisposition screen in an ostensibly healthy population. It had not been previously curated by ICSL or reported in the Human Gene Mutation Database (HGMD: prior to June 1st, 2018), and was therefore a candidate for classification through an automated scoring system. Utilizing variant allele frequency, disease prevalence and penetrance estimates, and inheritance mode, an automated score was calculated to assess if this variant is too frequent to cause the disease. Based on the score and internal cut-off values, a variant classified as likely benign is not then subjected to further curation. The score for this variant resulted in a classification of likely benign for this disease.

Illumina Laboratory Services, Illumina
Classification: Benign for Multiple endocrine neoplasia. Last evaluated: 2018-01-13. Review status: criteria provided, single submitter. Criteria: ICSL Variant Classification Criteria 13 December 2019. Collection method: clinical testing. Allele origin: germline.
Comment: the same text as in the submission from Illumina Laboratory Services, Illumina above.